The following is an entry in ClinVar:

ClinVar aggregate classification (germline): Pathogenic (1 of 4 stars; one submission).

gnomAD v4.1: 1 of 1,614,010 alleles (0.000062%); highest among the groups gnomAD compares: Non-Finnish European, 0.000085%; no homozygotes.

Submission:

GeneDx
Classification: Pathogenic. Last evaluated: 2023-09-28. Review status: criteria provided, single submitter. Criteria: GeneDx Variant Classification Process June 2021. Collection method: clinical testing. Allele origin: germline. Affected: yes.
Comment: Located in the highly conserved helix initiation motif of the alpha-helical rod domain, which is intolerant to change; variants in this motif interfere with proper keratin intermediate filament assembly and function, resulting in skin fragility and/or hyperkeratosis (Chamcheu et al., 2011); Not observed at significant frequency in large population cohorts (gnomAD); In silico analysis supports that this missense variant has a deleterious effect on protein structure/function; Has not been previously published as pathogenic or benign to our knowledge; This variant is associated with the following publications: (PMID: 21176769)

NM_000424.4(KRT5):c.528C>A (p.Asn176Lys)

Gene: KRT5 (keratin 5; minus strand). Cytogenetic location: 12q13.13.
Variant type: single nucleotide variant.
Coding change: c.528C>A on transcript NM_000424.4 (MANE Select); coding-DNA position 528, C replaced by A.
Protein change: p.Asn176Lys; replaces asparagine 176 with lysine.
Molecular consequence: missense variant.
Genome position (GRCh38, 1-based): chr12:52,519,769, G>T on the plus strand (C>A on the coding strand, the complement: KRT5 is on the minus strand). VCF-style: chr12-52519769-G-T. GRCh37 (hg19) VCF-style: chr12-52913553-G-T.
Other names: short protein forms N176K.
Identifiers: ClinVar variation 2581743 (VCV002581743.1), dbSNP rs2498409200, ClinGen allele CA384928828.